The following is an entry in ClinVar:

NM_001563.4(IMPG1):c.1985C>T (p.Ser662Phe)

Gene: IMPG1 (interphotoreceptor matrix proteoglycan 1; minus strand). Cytogenetic location: 6q14.1.
Variant type: single nucleotide variant.
Coding change: c.1985C>T on transcript NM_001563.4 (MANE Select); coding-DNA position 1985, C replaced by T.
Protein change: p.Ser662Phe; replaces serine 662 with phenylalanine.
Molecular consequence: missense variant.
Genome position (GRCh38, 1-based): chr6:75,947,373, G>A on the plus strand (C>T on the coding strand, the complement: IMPG1 is on the minus strand). VCF-style: chr6-75947373-G-A. GRCh37 (hg19) VCF-style: chr6-76657090-G-A.
Other names: c.1985C>T (NM_001563.2); c.1751C>T, p.Ser584Phe (NM_001282368.2); short protein forms S584F, S662F.
Identifiers: ClinVar variation 1503764 (VCV001503764.7), dbSNP rs760558589, ClinGen allele CA3897984.
Genomic context (GRCh38, chr6:75,947,373, plus strand): 5'-CCTGGTTCAATGTTGAGAGAGTAGCTGTCTATTTCCAGATGGAGTTGTTGGGCTGCAGCA[G>A]AACGAAAATCCTCCAAGACCCCGTGCACAGCCTTGGTGAGGTTATACGGCACTGACTTAG-3'
Protein context (NP_001554.2, residues 652-672): AVHGVLEDFR[Ser662Phe]AAAQQLHLEI

ClinVar aggregate classification (germline): Uncertain significance. Review status: criteria provided, multiple submitters, no conflicts (2 of 4 stars). 2 submissions from 2 submitters: Uncertain significance (2). Last evaluated 2025-06-07.

Allele frequency attached by ClinVar (database versions not stated): ExAC 0.00001; gnomAD 0.00001; gnomAD exomes 0.00001; TOPMed 0.00002.
gnomAD v4.1: 7 of 1,613,904 alleles (0.00043%); highest among the groups gnomAD compares: Non-Finnish European, 0.00059%; no homozygotes.

Submissions (2):

Ambry Genetics
Classification: Uncertain significance. Last evaluated: 2025-06-07. Review status: criteria provided, single submitter. Criteria: Ambry Variant Classification Scheme 2023. Collection method: clinical testing. Allele origin: germline.

Labcorp Genetics (formerly Invitae), Labcorp
Classification: Uncertain significance. Last evaluated: 2023-09-28. Review status: criteria provided, single submitter. Criteria: Invitae Variant Classification Sherloc (09022015). Collection method: clinical testing. Allele origin: germline.
Comment: In summary, the available evidence is currently insufficient to determine the role of this variant in disease. Therefore, it has been classified as a Variant of Uncertain Significance. Algorithms developed to predict the effect of missense changes on protein structure and function output the following: SIFT: "Not Available"; PolyPhen-2: "Benign"; Align-GVGD: "Not Available". The phenylalanine amino acid residue is found in multiple mammalian species, which suggests that this missense change does not adversely affect protein function. ClinVar contains an entry for this variant (Variation ID: 1503764). This variant has not been reported in the literature in individuals affected with IMPG1-related conditions. This variant is present in population databases (rs760558589, gnomAD 0.002%). This sequence change replaces serine, which is neutral and polar, with phenylalanine, which is neutral and non-polar, at codon 662 of the IMPG1 protein (p.Ser662Phe).